The following is an entry in ClinVar:

NM_017506.2(OR7A5):c.141G>A (p.Leu47=)

Genes: OR7A5 (olfactory receptor family 7 subfamily A member 5; minus strand), OR7C1 (olfactory receptor family 7 subfamily C member 1; minus strand). Cytogenetic location: 19p13.12.
Variant type: single nucleotide variant.
Coding change: c.141G>A on transcript NM_017506.2 (MANE Select); coding-DNA position 141, G replaced by A.
Protein change: p.Leu47=; no amino-acid change (leucine 47 retained).
Molecular consequence: synonymous variant. On other transcripts: intron variant (1).
Genome position (GRCh38, 1-based): chr19:14,828,101, C>T on the plus strand (G>A on the coding strand, the complement: OR7A5 is on the minus strand). VCF-style: chr19-14828101-C-T. GRCh37 (hg19) VCF-style: chr19-14938913-C-T.
Other names: c.141G>A, p.Leu47= (NM_001370480.1, NM_001370481.1, NM_001370482.1 and 1 more transcripts); c.-623+6973G>A (NM_001370485.4).
Identifiers: ClinVar variation 3341554 (VCV003341554.16).

ClinVar aggregate classification (germline): Likely benign (1 of 4 stars; one submission).

gnomAD v4.1: 2,572 of 1,613,934 alleles (0.16%); highest among the groups gnomAD compares: Non-Finnish European, 0.17%; 3 homozygotes.

Submission:

CeGaT Center for Human Genetics Tuebingen
Classification: Likely benign. Last evaluated: 2024-08-01. Review status: criteria provided, single submitter. Criteria: CeGaT Center For Human Genetics Tuebingen Variant Classification Criteria Version 2. Collection method: clinical testing. Allele origin: germline. Affected: yes. Observed: 1 variant allele.
Comment: OR7A5: BP4, BP7